The following is an entry in ClinVar:

NM_000784.4(CYP27A1):c.1273G>C (p.Val425Leu)

Gene: CYP27A1 (cytochrome P450 family 27 subfamily A member 1; plus strand). Cytogenetic location: 2q35.
Variant type: single nucleotide variant.
Coding change: c.1273G>C on transcript NM_000784.4 (MANE Select); coding-DNA position 1273, G replaced by C.
Protein change: p.Val425Leu; replaces valine 425 with leucine.
Molecular consequence: missense variant.
Genome position (GRCh38, 1-based): chr2:218,814,554, G>C. VCF-style: chr2-218814554-G-C. GRCh37 (hg19) VCF-style: chr2-219679277-G-C.
Other names: short protein forms V425L.
Identifiers: ClinVar variation 1766072 (VCV001766072.5), dbSNP rs757381848, ClinGen allele CA2112864.
Genomic context (GRCh38, chr2:218,814,554, plus strand): 5'-GCCCTATGCCCCCGAAGAGAGGCATTCATGCTGCCCAATCTTCCTTTATAGACCCAGTTT[G>C]TGTTCTGCCACTATGTGGTGTCCCGGGACCCCACTGCCTTCTCTGAGCCTGAAAGCTTCC-3'
Protein context (NP_000775.1, residues 415-435): GFLFPKNTQF[Val425Leu]FCHYVVSRDP

ClinVar aggregate classification (germline): Uncertain significance. Review status: criteria provided, multiple submitters, no conflicts (2 of 4 stars). 2 submissions from 2 submitters: Uncertain significance (2). Last evaluated 2025-02-06.

Conditions:
Cardiovascular phenotype. Identifiers: MedGen CN230736.
Cholestanol storage disease (CTX). Also called: CEREBRAL CHOLESTERINOSIS; Cerebrotendinous Xanthomatosis; CTX: Cerebrotendinous xanthomatosis. Identifiers: Orphanet 909, MedGen C0238052, MONDO:0008948, OMIM 213700.

Allele frequency attached by ClinVar (database versions not stated): gnomAD exomes below 0.00001; ExAC 0.00002.
gnomAD v4.1: 7 of 1,614,226 alleles (0.00043%); highest among the groups gnomAD compares: Admixed American, 0.0017%; no homozygotes.

Submissions (2):

Ambry Genetics
Classification: Uncertain significance for Cardiovascular phenotype. Last evaluated: 2025-02-06. Review status: criteria provided, single submitter. Criteria: Ambry Variant Classification Scheme 2023. Collection method: clinical testing. Allele origin: germline.
Comment: The p.V425L variant (also known as c.1273G>C), located in coding exon 8 of the CYP27A1 gene, results from a G to C substitution at nucleotide position 1273. The valine at codon 425 is replaced by leucine, an amino acid with highly similar properties. This amino acid position is conserved. In addition, this alteration is predicted to be tolerated by in silico analysis. Since supporting evidence is limited at this time, the clinical significance of this alteration remains unclear.

Labcorp Genetics (formerly Invitae), Labcorp
Classification: Uncertain significance for Cholestanol storage disease. Last evaluated: 2022-10-17. Review status: criteria provided, single submitter. Criteria: Invitae Variant Classification Sherloc (09022015). Collection method: clinical testing. Allele origin: germline.
Comment: This sequence change replaces valine, which is neutral and non-polar, with leucine, which is neutral and non-polar, at codon 425 of the CYP27A1 protein (p.Val425Leu). This variant is present in population databases (rs757381848, gnomAD 0.003%). This variant has not been reported in the literature in individuals affected with CYP27A1-related conditions. Advanced modeling of protein sequence and biophysical properties (such as structural, functional, and spatial information, amino acid conservation, physicochemical variation, residue mobility, and thermodynamic stability) performed at Invitae indicates that this missense variant is not expected to disrupt CYP27A1 protein function. In summary, the available evidence is currently insufficient to determine the role of this variant in disease. Therefore, it has been classified as a Variant of Uncertain Significance.